The following is an entry in ClinVar:

ClinVar aggregate classification (germline): Uncertain significance (1 of 4 stars; one submission).

Allele frequency attached by ClinVar (database versions not stated): gnomAD exomes below 0.00001.
gnomAD v4.1: 5 of 1,614,238 alleles (0.00031%); highest among the groups gnomAD compares: Middle Eastern, 0.082%; 1 homozygote.

Submission:

GeneDx
Classification: Uncertain significance. Last evaluated: 2022-09-27. Review status: criteria provided, single submitter. Criteria: GeneDx Variant Classification Process June 2021. Collection method: clinical testing. Allele origin: germline. Affected: yes.
Comment: Not observed at significant frequency in large population cohorts (gnomAD); In silico analysis supports that this missense variant does not alter protein structure/function; Has not been previously published as pathogenic or benign to our knowledge

NM_005422.4(TECTA):c.4852G>A (p.Val1618Met)

Genes: TBCEL-TECTA (TBCEL-TECTA readthrough; plus strand), TECTA (tectorin alpha; plus strand). Cytogenetic location: 11q23.3.
Variant type: single nucleotide variant.
Coding change: c.4852G>A on transcript NM_005422.4 (MANE Select); coding-DNA position 4852, G replaced by A.
Protein change: p.Val1618Met; replaces valine 1618 with methionine.
Molecular consequence: missense variant.
Genome position (GRCh38, 1-based): chr11:121,160,297, G>A. VCF-style: chr11-121160297-G-A. GRCh37 (hg19) VCF-style: chr11-121031006-G-A.
Other names: c.5809G>A, p.Val1937Met (NM_001378761.1); short protein forms V1618M, V1937M.
Identifiers: ClinVar variation 2446246 (VCV002446246.1), dbSNP rs2496977888, ClinGen allele CA383029196.
Genomic context (GRCh38, chr11:121,160,297, plus strand): 5'-ATATACTACAATGGTTTCAACGTCATTAAAATCAGCATCAGCGAGAGGCTGCAGAACAAA[G>A]TGTGCGGTCTCTGTGGCAACTTCAACGGGGACCTAACAGATGATTATGTGACCTTGCGAG-3'
Protein context (NP_005413.2, residues 1608-1628): ISISERLQNK[Val1618Met]CGLCGNFNGD